The following is an entry in ClinVar:

NM_001134363.3(RBM20):c.2049G>C (p.Arg683Ser)

Gene: RBM20 (RNA binding motif protein 20; plus strand). Cytogenetic location: 10q25.2.
Variant type: single nucleotide variant.
Coding change: c.2049G>C on transcript NM_001134363.3 (MANE Select); coding-DNA position 2049, G replaced by C.
Protein change: p.Arg683Ser; replaces arginine 683 with serine.
Molecular consequence: missense variant.
Genome position (GRCh38, 1-based): chr10:110,812,446, G>C. VCF-style: chr10-110812446-G-C. GRCh37 (hg19) VCF-style: chr10-112572204-G-C.
Other names: short protein forms R683S.
Identifiers: ClinVar variation 3694375 (VCV003694375.3).
Genomic context (GRCh38, chr10:110,812,446, plus strand): 5'-CCCCTCCCGGGCTGACTGGGGCAATGGCCGGGACTCCTGGGAGCACTCTCCCTATGCCAG[G>C]AGGGAGGAAGAGCGAGACCCGGCTCCCTGGAGGGACAACGGAGATGACAAGAGGGACAGG-3'
Protein context (NP_001127835.2, residues 673-693): RDSWEHSPYA[Arg683Ser]REEERDPAPW

ClinVar aggregate classification (germline): Uncertain significance. Review status: criteria provided, multiple submitters, no conflicts (2 of 4 stars). 2 submissions from 2 submitters: Uncertain significance (2). Last evaluated 2025-04-13.

Conditions:
Cardiovascular phenotype. Identifiers: MedGen CN230736.
Dilated cardiomyopathy 1DD (CMD1DD). Identifiers: Orphanet 154, MedGen C2750995, MONDO:0013168, OMIM 613172.

gnomAD v4.1: 2 of 1,551,638 alleles (0.00013%); highest among the groups gnomAD compares: Non-Finnish European, 0.00017%; no homozygotes.

Submissions (2):

Ambry Genetics
Classification: Uncertain significance for Cardiovascular phenotype. Last evaluated: 2025-04-13. Review status: criteria provided, single submitter. Criteria: Ambry Variant Classification Scheme 2023. Collection method: clinical testing. Allele origin: germline.
Comment: The p.R683S variant (also known as c.2049G>C), located in coding exon 9 of the RBM20 gene, results from a G to C substitution at nucleotide position 2049. The arginine at codon 683 is replaced by serine, an amino acid with dissimilar properties. This amino acid position is conserved. In addition, this alteration is predicted to be tolerated by in silico analysis. Based on the available evidence, the clinical significance of this variant remains unclear.

Labcorp Genetics (formerly Invitae), Labcorp
Classification: Uncertain significance for Dilated cardiomyopathy 1DD. Last evaluated: 2024-07-30. Review status: criteria provided, single submitter. Criteria: Invitae Variant Classification Sherloc (09022015). Collection method: clinical testing. Allele origin: germline.
Comment: This sequence change replaces arginine, which is basic and polar, with serine, which is neutral and polar, at codon 683 of the RBM20 protein (p.Arg683Ser). This variant is not present in population databases (gnomAD no frequency). This variant has not been reported in the literature in individuals affected with RBM20-related conditions. Advanced modeling of protein sequence and biophysical properties (such as structural, functional, and spatial information, amino acid conservation, physicochemical variation, residue mobility, and thermodynamic stability) performed at Invitae indicates that this missense variant is not expected to disrupt RBM20 protein function with a negative predictive value of 95%. In summary, the available evidence is currently insufficient to determine the role of this variant in disease. Therefore, it has been classified as a Variant of Uncertain Significance.